The following is an entry in ClinVar:

ClinVar aggregate classification (germline): Pathogenic (1 of 4 stars; one submission).

Conditions:
Combined oxidative phosphorylation defect type 25. Also called: Combined oxidative phosphorylation deficiency 25. Identifiers: Orphanet 447954, MedGen C5567742, MONDO:0014636, OMIM 616430.

Submission:

Baylor Genetics
Classification: Pathogenic for Combined oxidative phosphorylation defect type 25. Last evaluated: 2018-06-14. Review status: criteria provided, single submitter. Criteria: ACMG Guidelines, 2015. Collection method: clinical testing. Allele origin: maternal. Affected: yes.
Comment: This variant was determined to be pathogenic according to ACMG Guidelines, 2015 [PMID:25741868].

NM_138395.4(MARS2):c.1032_1033del (p.Cys344fs)

Gene: MARS2 (methionyl-tRNA synthetase 2, mitochondrial; plus strand). Cytogenetic location: 2q33.1.
Variant type: Microsatellite.
Coding change: c.1032_1033del on transcript NM_138395.4 (MANE Select); coding-DNA positions 1032 to 1033, 2 bases deleted (TG; older notation c.1032_1033delTG).
Protein change: p.Cys344fs; shifts the reading frame from cysteine 344.
Molecular consequence: frameshift variant.
Genome position (GRCh38, 1-based): chr2:197,706,437-197,706,438, TG deleted; deleting any 2 consecutive bases within chr2:197,706,435-197,706,438 gives the same sequence; the c. name uses the placement nearest the transcript's 3' end. VCF-style (leftmost placement, unchanged base first): chr2-197706434-CTG-C. GRCh37 (hg19) VCF-style: chr2-198571158-CTG-C.
Other names: short protein forms C344fs.
Identifiers: ClinVar variation 1032415 (VCV001032415.1), dbSNP rs757731660, ClinGen allele CA2044678.